The following is an entry in ClinVar:

NM_015141.4(GPD1L):c.622A>T (p.Ile208Phe)

Gene: GPD1L (glycerol-3-phosphate dehydrogenase 1 like; plus strand). Cytogenetic location: 3p22.3.
Variant type: single nucleotide variant.
Coding change: c.622A>T on transcript NM_015141.4 (MANE Select); coding-DNA position 622, A replaced by T.
Protein change: p.Ile208Phe; replaces isoleucine 208 with phenylalanine.
Molecular consequence: missense variant.
Genome position (GRCh38, 1-based): chr3:32,158,879, A>T. VCF-style: chr3-32158879-A-T. GRCh37 (hg19) VCF-style: chr3-32200371-A-T.
Other names: short protein forms I208F.
Identifiers: ClinVar variation 3521607 (VCV003521607.1).

ClinVar aggregate classification (germline): Uncertain significance (1 of 4 stars; one submission).

Conditions:
Cardiovascular phenotype. Identifiers: MedGen CN230736.

gnomAD v4.1: 1 of 1,613,932 alleles (0.000062%); highest among the groups gnomAD compares: African/African-American, 0.0013%; no homozygotes.

Submission:

Ambry Genetics
Classification: Uncertain significance for Cardiovascular phenotype. Last evaluated: 2024-10-08. Review status: criteria provided, single submitter. Criteria: Ambry Variant Classification Scheme 2023. Collection method: clinical testing. Allele origin: germline.
Comment: The p.I208F variant (also known as c.622A>T), located in coding exon 6 of the GPD1L gene, results from an A to T substitution at nucleotide position 622. The isoleucine at codon 208 is replaced by phenylalanine, an amino acid with highly similar properties. This amino acid position is conserved. In addition, this alteration is predicted to be deleterious by in silico analysis. Based on the available evidence, the clinical significance of this variant remains unclear.